The following is an entry in ClinVar:

NM_004817.4(TJP2):c.120del (p.Arg42fs)

Gene: TJP2 (tight junction protein 2; plus strand). Cytogenetic location: 9q21.11.
Variant type: Deletion.
Coding change: c.120del on transcript NM_004817.4 (MANE Select); coding-DNA position 120, one base deleted (C; older notation c.120delC).
Protein change: p.Arg42fs; shifts the reading frame from arginine 42.
Molecular consequence: frameshift variant.
Genome position (GRCh38, 1-based): chr9:69,216,344, C deleted; the last of 2 consecutive C bases (chr9:69,216,343-69,216,344); deleting either gives the same sequence. VCF-style (leftmost placement, unchanged base first): chr9-69216342-TC-T. GRCh37 (hg19) VCF-style: chr9-71831258-TC-T.
Other names: c.51del, p.Arg19fs (NM_001170414.2, NM_001369870.1, NM_001369871.1); c.132del, p.Arg46fs (NM_001170415.1, NM_001369874.1, NM_001369875.1); c.213del, p.Arg73fs (NM_001170416.2); c.120del, p.Arg42fs (NM_001369872.1, NM_001369873.1, NM_201629.3); short protein forms R19fs, R42fs, R46fs, R73fs.
Identifiers: ClinVar variation 3236757 (VCV003236757.1), dbSNP rs1358228134.
Genomic context (GRCh38, chr9:69,216,342, plus strand): 5'-AAATCCTGAAAGCCACTTATTGAAGGATTTTTAATATTTCTCCTCTCTGATGTACAGGAT[TC>T]CAAAAGAGGATTTGGAATTGCAGTGTCCGGAGGCAGAGACAACCCCCACTTTGAAAATGG-3'

ClinVar aggregate classification (germline): Likely pathogenic (1 of 4 stars; one submission).

Conditions:
Cholestasis, progressive familial intrahepatic, 4. Identifiers: Orphanet 480483, Orphanet 79304, MedGen C2931067, MONDO:0014381, OMIM 615878.

Submission:

MVZ Medizinische Genetik Mainz
Classification: Likely pathogenic for Cholestasis, progressive familial intrahepatic, 4. Last evaluated: 2023-02-16. Review status: criteria provided, single submitter. Criteria: UK Practice Guidelines For Variant Classification V4 01 2020. Collection method: clinical testing. Allele origin: germline. Inheritance: Autosomal dominant inheritance. Observed: 1 variant allele.
Comment: ACMG Criteria: PVS1, PM2_SUP